The following is an entry in ClinVar:

NM_007294.4(BRCA1):c.1978del (p.Val660fs)

Gene: BRCA1 (BRCA1 DNA repair associated; minus strand). Cytogenetic location: 17q21.31.
Variant type: Deletion.
Coding change: c.1978del on transcript NM_007294.4 (MANE Select); coding-DNA position 1978, one base deleted (G; older notation c.1978delG).
Protein change: p.Val660fs; shifts the reading frame from valine 660.
Molecular consequence: frameshift variant. On other transcripts: intron variant (137).
Genome position (GRCh38, 1-based): chr17:43,093,553, C deleted on the plus strand (G on the coding strand, the reverse complement: BRCA1 is on the minus strand). VCF-style (leftmost placement, unchanged base first): chr17-43093552-AC-A. GRCh37 (hg19) VCF-style: chr17-41245569-AC-A.
Other names: 2097delG; c.1714del, p.Val572fs (NM_001407920.1, NM_001407921.1, NM_001407922.1 and 9 more transcripts); c.1711del, p.Val571fs (NM_001407930.1, NM_001407931.1, NM_001407932.1 and 2 more transcripts); c.1855del, p.Val619fs (NM_001407937.1, NM_001407938.1, NM_001407939.1 and 19 more transcripts); c.1852del, p.Val618fs (NM_001407940.1, NM_001407941.1, NM_001407649.1 and 11 more transcripts); c.1837del, p.Val613fs (NM_001407942.1, NM_001407944.1, NM_001407945.1 and 29 more transcripts); c.1834del, p.Val612fs (NM_001407943.1, NM_001407964.1, NM_001407740.1 and 20 more transcripts); c.1645del, p.Val549fs (NM_001407946.1, NM_001407947.1, NM_001407948.1 and 6 more transcripts); and 41 more; short protein forms V613fs, V660fs, V364fs, V492fs, V593fs, V619fs, V634fs, V659fs.
Identifiers: ClinVar variation 266208 (VCV000266208.15), dbSNP rs886039988, ClinGen allele CA10589902.
Genomic context (GRCh38, chr17:43,093,552, plus strand): 5'-TTCTTGGCTCCAGTTGCAGGTTCTTTACCTTCCATGAGTTGTAGGTTTCTGCTGTGCCTG[AC>A]TGGCATTTGGTTGTACTTTTTTTTCTTTATCTCTTCACTGCTAGAACAACTATCAATTTG-3'

ClinVar aggregate classification (germline): Pathogenic. Review status: reviewed by expert panel (3 of 4 stars). 7 submissions from 7 submitters: Pathogenic (1). 6 of the submissions do not count toward it. Last evaluated 2016-10-18.

Conditions:
Hereditary cancer-predisposing syndrome. Also called: Hereditary Cancer Syndrome; Neoplastic Syndromes, Hereditary; Hereditary neoplastic syndrome; Tumor predisposition. Identifiers: Orphanet 140162, MedGen C0027672, MeSH D009386, MONDO:0015356.
Hereditary breast ovarian cancer syndrome. Also called: Hereditary breast and ovarian cancer syndrome (HBOC); Breast and ovarian cancer; Hereditary breast and ovarian cancer syndrome; Hereditary breast and ovarian cancer; BRCA1- and BRCA2-Associated Hereditary Breast and Ovarian Cancer; Hereditary breast and/or ovarian cancer syndrome. Identifiers: Orphanet 145, MedGen C0677776, MeSH D061325, MONDO:0003582. Disease mechanism: loss of function.
Breast-ovarian cancer, familial, susceptibility to, 1 (BROVCA1). Also called: BRCA1 Hereditary Breast and Ovarian Cancer; OVARIAN CANCER, SUSCEPTIBILITY TO. Identifiers: Orphanet 145, MedGen C2676676, MONDO:0011450, OMIM 604370. Disease mechanism: loss of function.

Submissions (7):

Evidence-based Network for the Interpretation of Germline Mutant Alleles (ENIGMA)
Classification: Pathogenic for Breast-ovarian cancer, familial, susceptibility to, 1. Last evaluated: 2016-10-18. Review status: reviewed by expert panel. Criteria: ENIGMA BRCA1/2 Classification Criteria (2015). Collection method: curation. Allele origin: germline.
Comment: Variant allele predicted to encode a truncated non-functional protein.

Baylor Genetics
Classification: Likely pathogenic for Breast-ovarian cancer, familial, susceptibility to, 1. Last evaluated: 2023-08-08. Review status: criteria provided, single submitter. Criteria: ACMG Guidelines, 2015. Collection method: clinical testing. Allele origin: unknown. Not counted in ClinVar's aggregate classification.

Ambry Genetics
Classification: Pathogenic for Hereditary cancer-predisposing syndrome. Last evaluated: 2023-05-01. Review status: criteria provided, single submitter. Criteria: Ambry Variant Classification Scheme 2023. Collection method: clinical testing. Allele origin: germline. Not counted in ClinVar's aggregate classification.
Comment: The c.1978delG pathogenic mutation, located in coding exon 9 of the BRCA1 gene, results from a deletion of one nucleotide at nucleotide position 1978, causing a translational frameshift with a predicted alternate stop codon (p.V660Sfs*41). This alteration has been reported in an individual with a personal history of breast and ovarian cancers (Cui J et al. Front Oncol, 2016 Apr;6:92). This variant is considered to be rare based on population cohorts in the Genome Aggregation Database (gnomAD). In addition to the clinical data presented in the literature, this alteration is expected to result in loss of function by premature protein truncation or nonsense-mediated mRNA decay. As such, this alteration is interpreted as a disease-causing mutation.

Labcorp Genetics (formerly Invitae), Labcorp
Classification: Pathogenic for Hereditary breast ovarian cancer syndrome. Last evaluated: 2023-02-10. Review status: criteria provided, single submitter. Criteria: Invitae Variant Classification Sherloc (09022015). Collection method: clinical testing. Allele origin: germline. Not counted in ClinVar's aggregate classification.
Comment: This variant has not been reported in the literature in individuals affected with BRCA1-related conditions. ClinVar contains an entry for this variant (Variation ID: 266208). For these reasons, this variant has been classified as Pathogenic. This variant is not present in population databases (gnomAD no frequency). This sequence change creates a premature translational stop signal (p.Val660Serfs*41) in the BRCA1 gene. It is expected to result in an absent or disrupted protein product. Loss-of-function variants in BRCA1 are known to be pathogenic (PMID: 20104584).

Institute for Clinical Genetics, University Hospital TU Dresden, University Hospital TU Dresden
Classification: Pathogenic. Last evaluated: 2021-11-03. Review status: criteria provided, single submitter. Criteria: ACMG Guidelines, 2015. Collection method: clinical testing. Allele origin: germline. Not counted in ClinVar's aggregate classification.

Consortium of Investigators of Modifiers of BRCA1/2 (CIMBA), c/o University of Cambridge
Classification: Pathogenic for Breast-ovarian cancer, familial, susceptibility to, 1. Last evaluated: 2015-10-02. Review status: criteria provided, single submitter. Criteria: CIMBA Mutation Classification guidelines May 2016. Collection method: clinical testing. Allele origin: germline. Not counted in ClinVar's aggregate classification.

Research Molecular Genetics Laboratory, Women's College Hospital, University of Toronto
Classification: Pathogenic for Hereditary breast ovarian cancer syndrome. Last evaluated: 2014-01-31. Review status: no assertion criteria provided. Collection method: research. Allele origin: germline. Affected: yes. Study: The Canadian Open Genetics Repository (COGR). Not counted in ClinVar's aggregate classification.

Literature cited by the submitters: PubMed 27148484 (cited by Ambry Genetics); PubMed 20104584 (cited by Labcorp Genetics (formerly Invitae), Labcorp).